The following is an entry in ClinVar:

NM_000179.3(MSH6):c.3524_3525del (p.Thr1175fs)

Gene: MSH6 (mutS homolog 6; plus strand). Cytogenetic location: 2p16.3.
Variant type: Deletion.
Coding change: c.3524_3525del on transcript NM_000179.3 (MANE Select); coding-DNA positions 3524 to 3525, 2 bases deleted (CT; older notation c.3524_3525delCT).
Protein change: p.Thr1175fs; shifts the reading frame from threonine 1175.
Molecular consequence: frameshift variant.
Genome position (GRCh38, 1-based): chr2:47,804,995-47,804,996, CT deleted. VCF-style (leftmost placement, unchanged base first): chr2-47804994-ACT-A. GRCh37 (hg19) VCF-style: chr2-48032133-ACT-A.
Other names: c.3134_3135del, p.Thr1045fs (NM_001281492.2); c.2618_2619del, p.Thr873fs (NM_001281493.2, NM_001281494.2); short protein forms T1045fs, T1175fs, T873fs.
Identifiers: ClinVar variation 1454017 (VCV001454017.6), dbSNP rs2104508780, ClinGen allele CA2573134744.

ClinVar aggregate classification (germline): Pathogenic (1 of 4 stars; one submission).

Conditions:
Hereditary nonpolyposis colorectal neoplasms. Identifiers: MedGen C0009405, MeSH D003123.

Submission:

Labcorp Genetics (formerly Invitae), Labcorp
Classification: Pathogenic for Hereditary nonpolyposis colorectal neoplasms. Last evaluated: 2021-11-17. Review status: criteria provided, single submitter. Criteria: Invitae Variant Classification Sherloc (09022015). Collection method: clinical testing. Allele origin: germline.
Comment: This variant is not present in population databases (gnomAD no frequency). This sequence change creates a premature translational stop signal (p.Thr1175Lysfs*12) in the MSH6 gene. It is expected to result in an absent or disrupted protein product. Loss-of-function variants in MSH6 are known to be pathogenic (PMID: 18269114, 24362816). For these reasons, this variant has been classified as Pathogenic. This variant has not been reported in the literature in individuals affected with MSH6-related conditions.

Literature cited by the submitters: PubMed 18269114; PubMed 24362816.